The following is an entry in ClinVar:

ClinVar aggregate classification (germline): Uncertain significance (1 of 4 stars; one submission).

Conditions:
Ataxia-telangiectasia syndrome (AT). Also called: Cerebello-oculocutaneous telangiectasia; Immunodeficiency with ataxia telangiectasia; AT, COMPLEMENTATION GROUP C; Ataxia-telangiectasia, complementation group E; LOUIS-BAR SYNDROME; ATAXIA-TELANGIECTASIA, COMPLEMENTATION GROUP A. Identifiers: Orphanet 100, MedGen C0004135, MONDO:0008840, OMIM 208900.

Submission:

Labcorp Genetics (formerly Invitae), Labcorp
Classification: Uncertain significance for Ataxia-telangiectasia syndrome. Last evaluated: 2021-02-13. Review status: criteria provided, single submitter. Criteria: Invitae Variant Classification Sherloc (09022015). Collection method: clinical testing. Allele origin: germline.
Comment: In summary, the available evidence is currently insufficient to determine the role of this variant in disease. Therefore, it has been classified as a Variant of Uncertain Significance. Advanced modeling of protein sequence and biophysical properties (such as structural, functional, and spatial information, amino acid conservation, physicochemical variation, residue mobility, and thermodynamic stability) performed at Invitae indicates that this missense variant is not expected to disrupt ATM protein function. This variant has not been reported in the literature in individuals with ATM-related conditions. This variant is not present in population databases (ExAC no frequency). This sequence change replaces phenylalanine with serine at codon 357 of the ATM protein (p.Phe357Ser). The phenylalanine residue is highly conserved and there is a large physicochemical difference between phenylalanine and serine.

NM_000051.4(ATM):c.1070T>C (p.Phe357Ser)

Gene: ATM (ATM serine/threonine kinase; plus strand). Cytogenetic location: 11q22.3.
Variant type: single nucleotide variant.
Coding change: c.1070T>C on transcript NM_000051.4 (MANE Select); coding-DNA position 1070, T replaced by C.
Protein change: p.Phe357Ser; replaces phenylalanine 357 with serine.
Molecular consequence: missense variant.
Genome position (GRCh38, 1-based): chr11:108,248,937, T>C. VCF-style: chr11-108248937-T-C. GRCh37 (hg19) VCF-style: chr11-108119664-T-C.
Other names: c.1070T>C, p.Phe357Ser (NM_001351834.2); short protein forms F357S.
Identifiers: ClinVar variation 1372002 (VCV001372002.8), dbSNP rs2135290032, ClinGen allele CA382532319.
Genomic context (GRCh38, chr11:108,248,937, plus strand): 5'-AAACTCTGGCTCAAAAAAAAAAAAAAGAAAAAAGTGGATTTATTTTTATTTTACAGGTTT[T>C]TAATGAAGATACCAGATCCTTGGAGATTTCTCAATCTTACACTACTACACAAAGAGAATC-3'
Protein context (NP_000042.3, residues 347-367): ELMADICHQV[Phe357Ser]NEDTRSLEIS